The following is an entry in ClinVar:

NM_006904.7(PRKDC):c.10443C>A (p.Ser3481Arg)

Gene: PRKDC (protein kinase, DNA-activated, catalytic subunit; minus strand). Cytogenetic location: 8q11.21.
Variant type: single nucleotide variant.
Coding change: c.10443C>A on transcript NM_006904.7 (MANE Select); coding-DNA position 10443, C replaced by A.
Protein change: p.Ser3481Arg; replaces serine 3481 with arginine.
Molecular consequence: missense variant.
Genome position (GRCh38, 1-based): chr8:47,798,252, G>T on the plus strand (C>A on the coding strand, the complement: PRKDC is on the minus strand). VCF-style: chr8-47798252-G-T. GRCh37 (hg19) VCF-style: chr8-48710813-G-T.
Other names: c.10443C>A, p.Ser3481Arg (NM_001081640.2); short protein forms S3481R.
Identifiers: ClinVar variation 2762562 (VCV002762562.3), dbSNP rs2551862519, ClinGen allele CA371134793.

ClinVar aggregate classification (germline): Uncertain significance (1 of 4 stars; one submission).

Conditions:
Severe combined immunodeficiency due to DNA-PKcs deficiency. Also called: IMMUNODEFICIENCY 26 WITH NEUROLOGIC ABNORMALITIES; Immunodeficiency 26 with or without neurologic abnormalities. Identifiers: Orphanet 317425, MedGen C4014833, MONDO:0014423, OMIM 615966.

Submission:

Labcorp Genetics (formerly Invitae), Labcorp
Classification: Uncertain significance for Severe combined immunodeficiency due to DNA-PKcs deficiency. Last evaluated: 2024-04-10. Review status: criteria provided, single submitter. Criteria: Invitae Variant Classification Sherloc (09022015). Collection method: clinical testing. Allele origin: germline.
Comment: This sequence change replaces serine, which is neutral and polar, with arginine, which is basic and polar, at codon 3481 of the PRKDC protein (p.Ser3481Arg). This variant is not present in population databases (gnomAD no frequency). This variant has not been reported in the literature in individuals affected with PRKDC-related conditions. Advanced modeling of protein sequence and biophysical properties (such as structural, functional, and spatial information, amino acid conservation, physicochemical variation, residue mobility, and thermodynamic stability) performed at Invitae indicates that this missense variant is not expected to disrupt PRKDC protein function with a negative predictive value of 80%. In summary, the available evidence is currently insufficient to determine the role of this variant in disease. Therefore, it has been classified as a Variant of Uncertain Significance.